The following is an entry in ClinVar:

NM_001257180.2(SLC20A2):c.935-1G>A

Gene: SLC20A2 (solute carrier family 20 member 2; minus strand). Cytogenetic location: 8p11.21.
Variant type: single nucleotide variant.
Coding change: c.935-1G>A on transcript NM_001257180.2 (MANE Select); the canonical splice acceptor site of the intron before coding-DNA position 935, G replaced by A.
Molecular consequence: splice acceptor variant.
Genome position (GRCh38, 1-based): chr8:42,437,578, C>T on the plus strand (G>A on the coding strand, the complement: SLC20A2 is on the minus strand). VCF-style: chr8-42437578-C-T. GRCh37 (hg19) VCF-style: chr8-42295096-C-T.
Other names: c.935-1G>A (NM_006749.5, NM_001257181.2).
Identifiers: ClinVar variation 2735162 (VCV002735162.3), dbSNP rs2487191620, ClinGen allele CA371097772.

ClinVar aggregate classification (germline): Pathogenic (1 of 4 stars; one submission).

Submission:

Labcorp Genetics (formerly Invitae), Labcorp
Classification: Pathogenic. Last evaluated: 2023-01-26. Review status: criteria provided, single submitter. Criteria: Invitae Variant Classification Sherloc (09022015). Collection method: clinical testing. Allele origin: germline.
Comment: For these reasons, this variant has been classified as Pathogenic. Studies have shown that disruption of this splice site results in skipping of exon 8 and introduces a premature termination codon (PMID: 23939468). The resulting mRNA is expected to undergo nonsense-mediated decay. Disruption of this splice site has been observed in individuals with basal ganglia calcification (PMID: 23939468; Invitae). This variant is not present in population databases (gnomAD no frequency). This sequence change affects an acceptor splice site in intron 7 of the SLC20A2 gene. RNA analysis indicates that disruption of this splice site induces altered splicing and may result in an absent or disrupted protein product.

Literature cited by the submitters: PubMed 23939468.